The following is an entry in ClinVar:

NM_001101362.3(KBTBD13):c.811C>G (p.Pro271Ala)

Gene: KBTBD13 (kelch repeat and BTB domain containing 13; plus strand). Cytogenetic location: 15q22.31.
Variant type: single nucleotide variant.
Coding change: c.811C>G on transcript NM_001101362.3 (MANE Select); coding-DNA position 811, C replaced by G.
Protein change: p.Pro271Ala; replaces proline 271 with alanine.
Molecular consequence: missense variant.
Genome position (GRCh38, 1-based): chr15:65,077,626, C>G. VCF-style: chr15-65077626-C-G. GRCh37 (hg19) VCF-style: chr15-65369964-C-G.
Other names: short protein forms P271A.
Identifiers: ClinVar variation 1382624 (VCV001382624.6), dbSNP rs1436431809, ClinGen allele CA392863587.

ClinVar aggregate classification (germline): Uncertain significance (1 of 4 stars; one submission).

Conditions:
Nemaline myopathy 6 (NEM6). Also called: Nemaline myopathy 6, autosomal dominant. Identifiers: Orphanet 171439, MedGen C1836472, MONDO:0012237, OMIM 609273.

Allele frequency attached by ClinVar (database versions not stated): gnomAD 0.00001.
gnomAD v4.1: 5 of 1,589,140 alleles (0.00031%); highest among the groups gnomAD compares: Non-Finnish European, 0.00034%; no homozygotes.

Submission:

Labcorp Genetics (formerly Invitae), Labcorp
Classification: Uncertain significance for Nemaline myopathy 6. Last evaluated: 2025-11-10. Review status: criteria provided, single submitter. Criteria: Invitae Variant Classification Sherloc (09022015). Collection method: clinical testing. Allele origin: germline.
Comment: This sequence change replaces proline, which is neutral and non-polar, with alanine, which is neutral and non-polar, at codon 271 of the KBTBD13 protein (p.Pro271Ala). This variant is not present in population databases (gnomAD no frequency). This variant has not been reported in the literature in individuals affected with KBTBD13-related conditions. ClinVar contains an entry for this variant (Variation ID: 1382624). Invitae Evidence Modeling of protein sequence and biophysical properties (such as structural, functional, and spatial information, amino acid conservation, physicochemical variation, residue mobility, and thermodynamic stability) indicates that this missense variant is not expected to disrupt KBTBD13 protein function with a negative predictive value of 80%. In summary, the available evidence is currently insufficient to determine the role of this variant in disease. Therefore, it has been classified as a Variant of Uncertain Significance.